The following is an entry in ClinVar:

NM_003000.3(SDHB):c.141G>C (p.Trp47Cys)

Gene: SDHB (succinate dehydrogenase complex iron sulfur subunit B; minus strand). Cytogenetic location: 1p36.13.
Variant type: single nucleotide variant.
Coding change: c.141G>C on transcript NM_003000.3 (MANE Select); coding-DNA position 141, G replaced by C.
Protein change: p.Trp47Cys; replaces tryptophan 47 with cysteine.
Molecular consequence: missense variant.
Genome position (GRCh38, 1-based): chr1:17,044,820, C>G on the plus strand (G>C on the coding strand, the complement: SDHB is on the minus strand). VCF-style: chr1-17044820-C-G. GRCh37 (hg19) VCF-style: chr1-17371315-C-G.
Other names: c.141G>C, p.Trp47Cys (NM_001407361.1); short protein forms W47C.
Identifiers: ClinVar variation 3763994 (VCV003763994.2).
Genomic context (GRCh38, chr1:17,044,820, plus strand): 5'-CTTATTAAGGTCAACTTCATAAGTCTGCATATGAGGTTTGTCTCCAGCCTTGTCTGGGTC[C>G]CATCGATAGATGGCAAATTTCTTGATACGGGGAGCTGTGGCTGCAGCTGTCTGGGCTCCT-3'
Protein context (NP_002991.2, residues 37-57): PRIKKFAIYR[Trp47Cys]DPDKAGDKPH

ClinVar aggregate classification (germline): Uncertain significance (1 of 4 stars; one submission).

Conditions:
Pheochromocytoma. Also called: MAX-Related Hereditary Paraganglioma-Pheochromocytoma Syndrome. Identifiers: Orphanet 29072, MedGen C0031511, MONDO:0008233, OMIM 171300, HP:0002666.
Pheochromocytoma/paraganglioma syndrome 4. Also called: CAROTID BODY TUMORS AND MULTIPLE EXTRAADRENAL PHEOCHROMOCYTOMAS; PARAGANGLIOMA, FAMILIAL MALIGNANT; PARAGANGLIOMAS, HEREDITARY EXTRAADRENAL; PHEOCHROMOCYTOMA, FAMILIAL EXTRAADRENAL; Paragangliomas 4; SDHB-Related Hereditary Paraganglioma-Pheochromocytoma Syndrome (Paragangliomas 4). Identifiers: Orphanet 29072, MedGen C1861848, MONDO:0007273, OMIM 115310.
Gastrointestinal stromal tumor. Also called: Gastrointestinal stromal tumor, somatic; Gastrointestinal stroma tumor. Identifiers: Orphanet 44890, MedGen C0238198, MeSH D046152, MONDO:0011719, OMIM 606764, HP:0100723.

Submission:

Labcorp Genetics (formerly Invitae), Labcorp
Classification: Uncertain significance for Gastrointestinal stromal tumor; Pheochromocytoma/paraganglioma syndrome 4; Pheochromocytoma. Last evaluated: 2025-03-04. Review status: criteria provided, single submitter. Criteria: Invitae Variant Classification Sherloc (09022015). Collection method: clinical testing. Allele origin: germline.
Comment: This sequence change replaces tryptophan, which is neutral and slightly polar, with cysteine, which is neutral and slightly polar, at codon 47 of the SDHB protein (p.Trp47Cys). This variant is not present in population databases (gnomAD no frequency). This variant has not been reported in the literature in individuals affected with SDHB-related conditions. Invitae Evidence Modeling of protein sequence and biophysical properties (such as structural, functional, and spatial information, amino acid conservation, physicochemical variation, residue mobility, and thermodynamic stability) indicates that this missense variant is expected to disrupt SDHB protein function with a positive predictive value of 80%. In summary, the available evidence is currently insufficient to determine the role of this variant in disease. Therefore, it has been classified as a Variant of Uncertain Significance.